The following is an entry in ClinVar:

ClinVar aggregate classification (germline): Uncertain significance (1 of 4 stars; one submission).

Allele frequency attached by ClinVar (database versions not stated): gnomAD exomes below 0.00001.
gnomAD v4.1: 3 of 1,614,184 alleles (0.00019%); highest among the groups gnomAD compares: Non-Finnish European, 0.00017%; no homozygotes.

Submission:

Labcorp Genetics (formerly Invitae), Labcorp
Classification: Uncertain significance. Last evaluated: 2021-12-30. Review status: criteria provided, single submitter. Criteria: Invitae Variant Classification Sherloc (09022015). Collection method: clinical testing. Allele origin: germline.
Comment: This variant has not been reported in the literature in individuals affected with MRPL44-related conditions. In summary, the available evidence is currently insufficient to determine the role of this variant in disease. Therefore, it has been classified as a Variant of Uncertain Significance. Algorithms developed to predict the effect of missense changes on protein structure and function output the following: SIFT: "Tolerated"; PolyPhen-2: "Benign"; Align-GVGD: "Class C0". The serine amino acid residue is found in multiple mammalian species, which suggests that this missense change does not adversely affect protein function. This variant is not present in population databases (gnomAD no frequency). This sequence change replaces asparagine, which is neutral and polar, with serine, which is neutral and polar, at codon 155 of the MRPL44 protein (p.Asn155Ser).

NM_022915.5(MRPL44):c.464A>G (p.Asn155Ser)

Gene: MRPL44 (mitochondrial ribosomal protein L44; plus strand). Cytogenetic location: 2q36.1.
Variant type: single nucleotide variant.
Coding change: c.464A>G on transcript NM_022915.5 (MANE Select); coding-DNA position 464, A replaced by G.
Protein change: p.Asn155Ser; replaces asparagine 155 with serine.
Molecular consequence: missense variant.
Genome position (GRCh38, 1-based): chr2:223,959,818, A>G. VCF-style: chr2-223959818-A-G. GRCh37 (hg19) VCF-style: chr2-224824535-A-G.
Other names: short protein forms N155S.
Identifiers: ClinVar variation 2419487 (VCV002419487.6), dbSNP rs1689628450, ClinGen allele CA350806729.
Genomic context (GRCh38, chr2:223,959,818, plus strand): 5'-CTTGCCTTACACAGTTTCTTGAAGACGAGTACCCAGACATGCCCACTGAAGGCATAAAAA[A>G]TCTTGTTGACTTTCTCACTGGTGAGGAAGTCGTGTGTCACGTGGCTAGAAACTTGGCTGT-3'
Protein context (NP_075066.1, residues 145-165): YPDMPTEGIK[Asn155Ser]LVDFLTGEEV